The following is an entry in ClinVar:

ClinVar aggregate classification (germline): Uncertain significance. Review status: criteria provided, multiple submitters, no conflicts (2 of 4 stars). 4 submissions from 4 submitters: Uncertain significance (4). Last evaluated 2025-04-30.

Conditions:
Pyruvate carboxylase deficiency. Also called: ATAXIA WITH LACTIC ACIDOSIS II; Pyruvate Carboxylase Deficiency Disease; LEIGH NECROTIZING ENCEPHALOPATHY DUE TO PYRUVATE CARBOXYLASE DEFICIENCY; LEIGH SYNDROME DUE TO PYRUVATE CARBOXYLASE DEFICIENCY; PC DEFICIENCY. Identifiers: Orphanet 3008, MedGen C0034341, MONDO:0009949, OMIM 266150.
Inborn genetic diseases. Identifiers: MedGen C0950123, MeSH D030342.

Allele frequency attached by ClinVar (database versions not stated): gnomAD exomes 0.00001 and below 0.00001; gnomAD 0.00002 and 0.00001; TOPMed 0.00002.

Submissions (4):

GeneDx
Classification: Uncertain significance. Last evaluated: 2025-04-30. Review status: criteria provided, single submitter. Criteria: GeneDx Variant Classification Process June 2021. Collection method: clinical testing. Allele origin: germline. Affected: yes.
Comment: Not observed at significant frequency in large population cohorts (gnomAD); In silico analysis indicates that this missense variant does not alter protein structure/function; Has not been previously published as pathogenic or benign to our knowledge

Ambry Genetics
Classification: Uncertain significance for Inborn genetic diseases. Last evaluated: 2023-12-15. Review status: criteria provided, single submitter. Criteria: Ambry Variant Classification Scheme 2023. Collection method: clinical testing. Allele origin: germline.

Labcorp Genetics (formerly Invitae), Labcorp
Classification: Uncertain significance for Pyruvate carboxylase deficiency. Last evaluated: 2022-06-13. Review status: criteria provided, single submitter. Criteria: Invitae Variant Classification Sherloc (09022015). Collection method: clinical testing. Allele origin: germline.
Comment: This sequence change replaces methionine, which is neutral and non-polar, with valine, which is neutral and non-polar, at codon 1012 of the PC protein (p.Met1012Val). This variant is present in population databases (no rsID available, gnomAD 0.007%). This variant has not been reported in the literature in individuals affected with PC-related conditions. ClinVar contains an entry for this variant (Variation ID: 1027060). Algorithms developed to predict the effect of missense changes on protein structure and function are either unavailable or do not agree on the potential impact of this missense change (SIFT: "Deleterious"; PolyPhen-2: "Benign"; Align-GVGD: "Class C0"). In summary, the available evidence is currently insufficient to determine the role of this variant in disease. Therefore, it has been classified as a Variant of Uncertain Significance.

Fulgent Genetics
Classification: Uncertain significance for Pyruvate carboxylase deficiency. Last evaluated: 2021-07-12. Review status: criteria provided, single submitter. Criteria: ACMG Guidelines, 2015. Collection method: clinical testing. Allele origin: unknown.

NM_001040716.2(PC):c.3034A>G (p.Met1012Val)

Gene: PC (pyruvate carboxylase; minus strand). Cytogenetic location: 11q13.2.
Variant type: single nucleotide variant.
Coding change: c.3034A>G on transcript NM_001040716.2 (MANE Select); coding-DNA position 3034, A replaced by G.
Protein change: p.Met1012Val; replaces methionine 1012 with valine.
Molecular consequence: missense variant.
Genome position (GRCh38, 1-based): chr11:66,849,724, T>C on the plus strand (A>G on the coding strand, the complement: PC is on the minus strand). VCF-style: chr11-66849724-T-C. GRCh37 (hg19) VCF-style: chr11-66617195-T-C.
Other names: c.3034A>G, p.Met1012Val (NM_000920.4, NM_022172.3); c.3034A>G (NM_000920.3); short protein forms M1012V.
Identifiers: ClinVar variation 1027060 (VCV001027060.5), dbSNP rs1030212351, ClinGen allele CA224122136.